The following is an entry in ClinVar:

NM_002890.3(RASA1):c.2925+1G>A

Genes: CCNH (cyclin H; minus strand), RASA1 (RAS p21 protein activator 1; plus strand). Cytogenetic location: 5q14.3.
Variant type: single nucleotide variant.
Coding change: c.2925+1G>A on transcript NM_002890.3 (MANE Select); the canonical splice donor site of the intron after coding-DNA position 2925, G replaced by A.
Molecular consequence: splice donor variant. On other transcripts: intron variant (1).
Genome position (GRCh38, 1-based): chr5:87,386,904, G>A. VCF-style: chr5-87386904-G-A. GRCh37 (hg19) VCF-style: chr5-86682721-G-A.
Other names: c.2394+1G>A (NM_022650.3); c.933+8140C>T (NM_001364075.2).
Identifiers: ClinVar variation 931156 (VCV000931156.5), dbSNP rs1762099168, ClinGen allele CA360387208.

ClinVar aggregate classification (germline): Likely pathogenic (1 of 4 stars; one submission).

Conditions:
Basal cell carcinoma, susceptibility to, 1. Also called: BCC1. Identifiers: MedGen C2751544, MONDO:0011556, OMIM 605462.

Submission:

Centre for Mendelian Genomics, University Medical Centre Ljubljana
Classification: Likely pathogenic for Basal cell carcinoma, susceptibility to, 1. Last evaluated: 2016-01-01. Review status: criteria provided, single submitter. Criteria: ACMG Guidelines, 2015. Collection method: clinical testing. Allele origin: unknown. Affected: yes.
Comment: This variant was classified as: Likely pathogenic.